The following is an entry in ClinVar:

ClinVar aggregate classification (germline): Conflicting classifications of pathogenicity. Review status: criteria provided, conflicting classifications (1 of 4 stars). 3 submissions from 3 submitters: Likely pathogenic (2); Uncertain significance (1). Last evaluated 2024-05-19.

Conditions:
Mucopolysaccharidosis, MPS-I-H/S. Also called: Mucopolysaccharidosis type IH/S. Identifiers: Orphanet 93476, MedGen C0086431, MONDO:0011759, OMIM 607015.
Mucopolysaccharidosis, MPS-I-S. Also called: MPS V; MUCOPOLYSACCHARIDOSIS TYPE V; Scheie Syndrome; MUCOPOLYSACCHARIDOSIS TYPE IS. Identifiers: Orphanet 93474, MedGen C0026708, MONDO:0011760, OMIM 607016.
Hurler syndrome. Also called: Gargoylism, Hurler Syndrome; MUCOPOLYSACCHARIDOSIS TYPE IH; Severe MPS I (Hurler Syndrome). Identifiers: Orphanet 93473, MedGen C0086795, MONDO:0011758, OMIM 607014.
Mucopolysaccharidosis type 1. Also called: IDUA deficiency; MPS I; Mucopolysaccharidosis Type I. Identifiers: Orphanet 579, MedGen C0023786, MONDO:0001586.

Submissions (3):

Fulgent Genetics
Classification: Likely pathogenic for Hurler syndrome; Mucopolysaccharidosis, MPS-I-H/S; Mucopolysaccharidosis, MPS-I-S. Last evaluated: 2024-05-19. Review status: criteria provided, single submitter. Criteria: ACMG Guidelines, 2015. Collection method: clinical testing. Allele origin: germline.

Labcorp Genetics (formerly Invitae), Labcorp
Classification: Uncertain significance for Mucopolysaccharidosis type 1. Last evaluated: 2024-02-02. Review status: criteria provided, single submitter. Criteria: Invitae Variant Classification Sherloc (09022015). Collection method: clinical testing. Allele origin: germline.
Comment: This sequence change falls in intron 12 of the IDUA gene. It does not directly change the encoded amino acid sequence of the IDUA protein. It affects a nucleotide within the consensus splice site. This variant is not present in population databases (gnomAD no frequency). This variant has been observed in individual(s) with Hurler syndrome (PMID: 11735025). Variants that disrupt the consensus splice site are a relatively common cause of aberrant splicing (PMID: 17576681, 9536098). Algorithms developed to predict the effect of sequence changes on RNA splicing suggest that this variant may disrupt the consensus splice site. In summary, the available evidence is currently insufficient to determine the role of this variant in disease. Therefore, it has been classified as a Variant of Uncertain Significance.

Revvity Omics, Revvity
Classification: Likely pathogenic. Last evaluated: 2024-01-22. Review status: criteria provided, single submitter. Criteria: ACMG Guidelines, 2015. Collection method: clinical testing. Allele origin: germline.

Literature cited by the submitters: PubMed 11735025 (cited by Labcorp Genetics (formerly Invitae), Labcorp); PubMed 17576681 (cited by Labcorp Genetics (formerly Invitae), Labcorp); PubMed 9536098 (cited by Labcorp Genetics (formerly Invitae), Labcorp).

NM_000203.5(IDUA):c.1727+5G>A

Gene: IDUA (alpha-L-iduronidase; plus strand). Cytogenetic location: 4p16.3.
Variant type: single nucleotide variant.
Coding change: c.1727+5G>A on transcript NM_000203.5 (MANE Select); 5 bases into the intron after coding-DNA position 1727, G replaced by A.
Molecular consequence: intron variant.
Genome position (GRCh38, 1-based): chr4:1,003,630, G>A. VCF-style: chr4-1003630-G-A. GRCh37 (hg19) VCF-style: chr4-997418-G-A.
Other names: c.1331+5G>A (NM_001363576.1).
Identifiers: ClinVar variation 3591563 (VCV003591563.4).